The following is an entry in ClinVar:

NM_006015.6(ARID1A):c.3043_3045delinsAGA (p.Gly1015Arg)

Gene: ARID1A (AT-rich interaction domain 1A; plus strand). Cytogenetic location: 1p36.11.
Variant type: Indel.
Coding change: c.3043_3045delinsAGA on transcript NM_006015.6 (MANE Select); coding-DNA positions 3043 to 3045, GGT replaced by AGA.
Protein change: p.Gly1015Arg; replaces glycine 1015 with arginine.
Molecular consequence: missense variant.
Genome position (GRCh38, 1-based): chr1:26,767,844-26,767,846, GGT replaced by AGA. VCF-style: chr1-26767844-GGT-AGA. GRCh37 (hg19) VCF-style: chr1-27094335-GGT-AGA.
Other names: c.3043_3045delGGTinsAGA, p.Gly1015Arg (NM_006015.4); c.3043_3045delinsAGA, p.Gly1015Arg (NM_139135.4); short protein forms G1015R.
Identifiers: ClinVar variation 3372106 (VCV003372106.1).

ClinVar aggregate classification (germline): Uncertain significance (1 of 4 stars; one submission).

Submission:

GeneDx
Classification: Uncertain significance. Last evaluated: 2024-04-04. Review status: criteria provided, single submitter. Criteria: GeneDx Variant Classification Process June 2021. Collection method: clinical testing. Allele origin: germline. Affected: yes.
Comment: Not observed at significant frequency in large population cohorts (gnomAD); In silico analysis supports a deleterious effect on protein structure/function; Has not been previously published as pathogenic or benign to our knowledge